The following is an entry in ClinVar:

ClinVar aggregate classification (germline): Benign/Likely benign. Review status: criteria provided, multiple submitters, no conflicts (2 of 4 stars). 2 submissions from 2 submitters: Benign (1); Likely benign (1). Last evaluated 2025-07-17.

Conditions:
PRKCB-related disorder. Also called: PRKCB-related condition.

Allele frequency attached by ClinVar (database versions not stated): 1000 Genomes Project 30x 0.00078; 1000 Genomes Project 0.00080; gnomAD 0.00124 and 0.00133; TOPMed 0.00135; ESP Exome Variant Server 0.00208.
gnomAD v4.1: 385 of 1,602,246 alleles (0.024%); highest among the groups gnomAD compares: African/African-American, 0.48%; 1 homozygote.

Submissions (2):

PreventionGenetics, part of Exact Sciences
Classification: Likely benign for PRKCB-related condition. Last evaluated: 2025-07-17. Review status: criteria provided, single submitter. Criteria: ACMG Guidelines, 2015. Collection method: clinical testing. Allele origin: germline.
Comment: This variant is classified as likely benign based on ACMG/AMP sequence variant interpretation guidelines (Richards et al. 2015 PMID: 25741868, with internal and published modifications).

Labcorp Genetics (formerly Invitae), Labcorp
Classification: Benign. Last evaluated: 2018-05-08. Review status: criteria provided, single submitter. Criteria: Invitae Variant Classification Sherloc (09022015). Collection method: clinical testing. Allele origin: germline.

NM_002738.7(PRKCB):c.162C>T (p.Thr54=)

Gene: PRKCB (protein kinase C beta; plus strand). Cytogenetic location: 16p12.2.
Variant type: single nucleotide variant.
Coding change: c.162C>T on transcript NM_002738.7 (MANE Select); coding-DNA position 162, C replaced by T.
Protein change: p.Thr54=; no amino-acid change (threonine 54 retained).
Molecular consequence: synonymous variant.
Genome position (GRCh38, 1-based): chr16:23,836,337, C>T. VCF-style: chr16-23836337-C-T. GRCh37 (hg19) VCF-style: chr16-23847658-C-T.
Other names: c.162C>T, p.Thr54= (NM_212535.3).
Identifiers: ClinVar variation 744416 (VCV000744416.4), dbSNP rs115667450, ClinGen allele CA7966100.